The following is an entry in ClinVar:

ClinVar aggregate classification (germline): Conflicting classifications of pathogenicity. Review status: criteria provided, conflicting classifications (1 of 4 stars). 2 submissions from 2 submitters: Uncertain significance (1); Likely benign (1). Last evaluated 2025-05-18.

Conditions:
Inborn genetic diseases. Identifiers: MedGen C0950123, MeSH D030342.
Charcot-Marie-Tooth disease axonal type 2O. Also called: CHARCOT-MARIE-TOOTH NEUROPATHY, AXONAL, TYPE 2O; CHARCOT-MARIE-TOOTH DISEASE, AXONAL, AUTOSOMAL DOMINANT, TYPE 2O; Charcot-Marie-Tooth Neuropathy Type 2O; Charcot-Marie-Tooth disease, axonal, type 20. Identifiers: Orphanet 284232, MedGen C3280220, MONDO:0013644, OMIM 614228.

Allele frequency attached by ClinVar (database versions not stated): gnomAD exomes below 0.00001; TOPMed below 0.00001; ExAC 0.00001; gnomAD 0.00001.
gnomAD v4.1: 3 of 1,614,102 alleles (0.00019%); highest among the groups gnomAD compares: African/African-American, 0.0013%; no homozygotes.

Submissions (2):

Labcorp Genetics (formerly Invitae), Labcorp
Classification: Likely benign for Charcot-Marie-Tooth disease axonal type 2O. Last evaluated: 2025-05-18. Review status: criteria provided, single submitter. Criteria: Invitae Variant Classification Sherloc (09022015). Collection method: clinical testing. Allele origin: germline.

Ambry Genetics
Classification: Uncertain significance for Inborn genetic diseases. Last evaluated: 2021-06-07. Review status: criteria provided, single submitter. Criteria: Ambry Variant Classification Scheme 2023. Collection method: clinical testing. Allele origin: germline.
Comment: The p.V297I variant (also known as c.889G>A), located in coding exon 5 of the DYNC1H1 gene, results from a G to A substitution at nucleotide position 889. The valine at codon 297 is replaced by isoleucine, an amino acid with highly similar properties. This amino acid position is highly conserved in available vertebrate species. In addition, this alteration is predicted to be tolerated by in silico analysis. Since supporting evidence is limited at this time, the clinical significance of this alteration remains unclear.

NM_001376.5(DYNC1H1):c.889G>A (p.Val297Ile)

Gene: DYNC1H1 (dynein cytoplasmic 1 heavy chain 1; plus strand). Cytogenetic location: 14q32.31.
Variant type: single nucleotide variant.
Coding change: c.889G>A on transcript NM_001376.5 (MANE Select); coding-DNA position 889, G replaced by A.
Protein change: p.Val297Ile; replaces valine 297 with isoleucine.
Molecular consequence: missense variant.
Genome position (GRCh38, 1-based): chr14:101,980,478, G>A. VCF-style: chr14-101980478-G-A. GRCh37 (hg19) VCF-style: chr14-102446815-G-A.
Other names: short protein forms V297I.
Identifiers: ClinVar variation 1765023 (VCV001765023.3), dbSNP rs753435051, ClinGen allele CA7351604.
Genomic context (GRCh38, chr14:101,980,478, plus strand): 5'-TTTTGGCTAAACTTGGAACGTGCGTTATACCGCATCCAGGAGAAACGGGAGAGCCCGGAA[G>A]TTCTCCTGACTCTGGATATCTTGAAACATGGCAAGCGCTTCCATGCCACCGTCAGTTTTG-3'
Protein context (NP_001367.2, residues 287-307): RIQEKRESPE[Val297Ile]LLTLDILKHG